The following is an entry in ClinVar:

ClinVar aggregate classification (germline): Uncertain significance (1 of 4 stars; one submission).

Conditions:
Symmetrical dyschromatosis of extremities (DSH). Also called: SYMMETRIC DYSCHROMATOSIS OF THE EXTREMITIES; Dyschromatosis symmetrica hereditaria; DYSCHROMATOSIS SYMMETRICA HEREDITARIA 1; RETICULATE ACROPIGMENTATION OF DOHI. Identifiers: Orphanet 41, MedGen C0406775, MONDO:0007483, OMIM 127400.
Aicardi-Goutieres syndrome 6 (AGS6). Identifiers: Orphanet 51, MedGen C3539013, MONDO:0014007, OMIM 615010.

Submission:

Labcorp Genetics (formerly Invitae), Labcorp
Classification: Uncertain significance for Aicardi-Goutieres syndrome 6; Symmetrical dyschromatosis of extremities. Last evaluated: 2020-12-11. Review status: criteria provided, single submitter. Criteria: Invitae Variant Classification Sherloc (09022015). Collection method: clinical testing. Allele origin: germline.
Comment: This sequence change replaces arginine with lysine at codon 362 of the ADAR protein (p.Arg362Lys). The arginine residue is moderately conserved and there is a small physicochemical difference between arginine and lysine. In summary, the available evidence is currently insufficient to determine the role of this variant in disease. Therefore, it has been classified as a Variant of Uncertain Significance. Algorithms developed to predict the effect of missense changes on protein structure and function output the following: SIFT: "Deleterious"; PolyPhen-2: "Benign"; Align-GVGD: "Class C0". The lysine amino acid residue is found in multiple mammalian species, suggesting that this missense change does not adversely affect protein function. These predictions have not been confirmed by published functional studies and their clinical significance is uncertain. This variant has not been reported in the literature in individuals with ADAR-related conditions. This variant is not present in population databases (ExAC no frequency).

NM_001111.5(ADAR):c.1085G>A (p.Arg362Lys)

Gene: ADAR (adenosine deaminase RNA specific; minus strand). Cytogenetic location: 1q21.3.
Variant type: single nucleotide variant.
Coding change: c.1085G>A on transcript NM_001111.5 (MANE Select); coding-DNA position 1085, G replaced by A.
Protein change: p.Arg362Lys; replaces arginine 362 with lysine.
Molecular consequence: missense variant.
Genome position (GRCh38, 1-based): chr1:154,601,557, C>T on the plus strand (G>A on the coding strand, the complement: ADAR is on the minus strand). VCF-style: chr1-154601557-C-T. GRCh37 (hg19) VCF-style: chr1-154574033-C-T.
Other names: c.200G>A, p.Arg67Lys (NM_001025107.3, NM_001193495.2, NM_001365046.1 and 3 more transcripts); c.1112G>A, p.Arg371Lys (NM_001365045.1); c.1085G>A, p.Arg362Lys (NM_015840.4, NM_015841.4); short protein forms R67K, R362K, R371K.
Identifiers: ClinVar variation 1492935 (VCV001492935.8), dbSNP rs2101640193, ClinGen allele CA342598722.